The following is an entry in ClinVar:

ClinVar aggregate classification (germline): Uncertain significance. Review status: criteria provided, multiple submitters, no conflicts (2 of 4 stars). 2 submissions from 2 submitters: Uncertain significance (2). Last evaluated 2026-02-27.

Conditions:
NEFH-related disorder. Also called: NEFH-related condition.

Allele frequency attached by ClinVar (database versions not stated): gnomAD exomes 0.00001; TOPMed 0.00003; gnomAD 0.00005.
gnomAD v4.1: 21 of 1,614,034 alleles (0.0013%); highest among the groups gnomAD compares: African/African-American, 0.0093%; no homozygotes.

Submissions (2):

PreventionGenetics, part of Exact Sciences
Classification: Uncertain significance for NEFH-related condition. Last evaluated: 2026-02-27. Review status: criteria provided, single submitter. Criteria: ACMG Guidelines, 2015. Collection method: clinical testing. Allele origin: germline.
Comment: The NEFH c.1580C>T variant is predicted to result in the amino acid substitution p.Pro527Leu. To our knowledge, this variant has not been reported in the literature. This variant is reported in 0.0080% of alleles in individuals of African descent in gnomAD. At this time, the clinical significance of this variant is uncertain due to the absence of conclusive functional and genetic evidence.

Labcorp Genetics (formerly Invitae), Labcorp
Classification: Uncertain significance. Last evaluated: 2025-08-23. Review status: criteria provided, single submitter. Criteria: Invitae Variant Classification Sherloc (09022015). Collection method: clinical testing. Allele origin: germline.
Comment: This sequence change replaces proline, which is neutral and non-polar, with leucine, which is neutral and non-polar, at codon 527 of the NEFH protein (p.Pro527Leu). This variant is present in population databases (no rsID available, gnomAD 0.008%). This variant has not been reported in the literature in individuals affected with NEFH-related conditions. ClinVar contains an entry for this variant (Variation ID: 1941386). Invitae Evidence Modeling of protein sequence and biophysical properties (such as structural, functional, and spatial information, amino acid conservation, physicochemical variation, residue mobility, and thermodynamic stability) indicates that this missense variant is not expected to disrupt NEFH protein function with a negative predictive value of 95%. In summary, the available evidence is currently insufficient to determine the role of this variant in disease. Therefore, it has been classified as a Variant of Uncertain Significance.

NM_021076.4(NEFH):c.1580C>T (p.Pro527Leu)

Gene: NEFH (neurofilament heavy chain; plus strand). Cytogenetic location: 22q12.2.
Variant type: single nucleotide variant.
Coding change: c.1580C>T on transcript NM_021076.4 (MANE Select); coding-DNA position 1580, C replaced by T.
Protein change: p.Pro527Leu; replaces proline 527 with leucine.
Molecular consequence: missense variant.
Genome position (GRCh38, 1-based): chr22:29,489,220, C>T. VCF-style: chr22-29489220-C-T. GRCh37 (hg19) VCF-style: chr22-29885209-C-T.
Other names: c.1580C>T (NM_021076.3); short protein forms P527L.
Identifiers: ClinVar variation 1941386 (VCV001941386.7), dbSNP rs1289471215, ClinGen allele CA411130879.